The following is an entry in ClinVar:

NM_014395.3(DAPP1):c.310G>A (p.Asp104Asn)

Gene: DAPP1 (dual adaptor of phosphotyrosine and 3-phosphoinositides 1; plus strand). Cytogenetic location: 4q23.
Variant type: single nucleotide variant.
Coding change: c.310G>A on transcript NM_014395.3 (MANE Select); coding-DNA position 310, G replaced by A.
Protein change: p.Asp104Asn; replaces aspartic acid 104 with asparagine.
Molecular consequence: missense variant.
Genome position (GRCh38, 1-based): chr4:99,840,374, G>A. VCF-style: chr4-99840374-G-A. GRCh37 (hg19) VCF-style: chr4-100761531-G-A.
Other names: c.310G>A, p.Asp104Asn (NM_001306151.2); short protein forms D104N.
Identifiers: ClinVar variation 3358370 (VCV003358370.1).

ClinVar aggregate classification (germline): Uncertain significance (0 of 4 stars; one submission).

Conditions:
DAPP1-related condition.

gnomAD v4.1: 1 of 1,611,144 alleles (0.000062%); highest among the groups gnomAD compares: Non-Finnish European, 0.000085%; no homozygotes.

Submission:

PreventionGenetics, part of Exact Sciences
Classification: Uncertain significance for DAPP1-related condition. Last evaluated: 2024-04-23. Review status: no assertion criteria provided. Collection method: clinical testing. Allele origin: germline.
Comment: The DAPP1 c.310G>A variant is predicted to result in the amino acid substitution p.Asp104Asn. To our knowledge, this variant has not been reported in the literature or in a large population database, indicating this variant is rare. At this time, the clinical significance of this variant is uncertain due to the absence of conclusive functional and genetic evidence.